The following is an entry in ClinVar:

ClinVar aggregate classification (germline): Uncertain significance (1 of 4 stars; one submission).

gnomAD v4.1: 1 of 1,613,562 alleles (0.000062%); highest among the groups gnomAD compares: African/African-American, 0.0013%; no homozygotes.

Submission:

Labcorp Genetics (formerly Invitae), Labcorp
Classification: Uncertain significance. Last evaluated: 2024-11-14. Review status: criteria provided, single submitter. Criteria: Invitae Variant Classification Sherloc (09022015). Collection method: clinical testing. Allele origin: germline.
Comment: This sequence change replaces phenylalanine, which is neutral and non-polar, with tyrosine, which is neutral and polar, at codon 856 of the DIP2C protein (p.Phe856Tyr). This variant is not present in population databases (gnomAD no frequency). This variant has not been reported in the literature in individuals affected with DIP2C-related conditions. An algorithm developed to predict the effect of missense changes on protein structure and function (PolyPhen-2) suggests that this variant is likely to be disruptive. In summary, the available evidence is currently insufficient to determine the role of this variant in disease. Therefore, it has been classified as a Variant of Uncertain Significance.

NM_014974.3(DIP2C):c.2567T>A (p.Phe856Tyr)

Gene: DIP2C (DIP2 acetate--CoA ligase C (putative); minus strand). Cytogenetic location: 10p15.3.
Variant type: single nucleotide variant.
Coding change: c.2567T>A on transcript NM_014974.3 (MANE Select); coding-DNA position 2567, T replaced by A.
Protein change: p.Phe856Tyr; replaces phenylalanine 856 with tyrosine.
Molecular consequence: missense variant.
Genome position (GRCh38, 1-based): chr10:363,222, A>T on the plus strand (T>A on the coding strand, the complement: DIP2C is on the minus strand). VCF-style: chr10-363222-A-T. GRCh37 (hg19) VCF-style: chr10-409162-A-T.
Other names: short protein forms F856Y.
Identifiers: ClinVar variation 3725231 (VCV003725231.2).